The following is an entry in ClinVar:

ClinVar aggregate classification (germline): Uncertain significance (1 of 4 stars; one submission).

Submission:

Labcorp Genetics (formerly Invitae), Labcorp
Classification: Uncertain significance. Last evaluated: 2020-03-04. Review status: criteria provided, single submitter. Criteria: Invitae Variant Classification Sherloc (09022015). Collection method: clinical testing. Allele origin: germline.
Comment: Algorithms developed to predict the effect of missense changes on protein structure and function output the following: SIFT: "Tolerated"; PolyPhen-2: "Benign"; Align-GVGD: "Class C0". The arginine amino acid residue is found in multiple mammalian species, suggesting that this missense change does not adversely affect protein function. These predictions have not been confirmed by published functional studies and their clinical significance is uncertain. In summary, the available evidence is currently insufficient to determine the role of this variant in disease. Therefore, it has been classified as a Variant of Uncertain Significance. This variant has not been reported in the literature in individuals with KIAA2022-related disease. This variant is not present in population databases (ExAC no frequency). This sequence change replaces glycine with arginine at codon 843 of the KIAA2022 protein (p.Gly843Arg). The glycine residue is moderately conserved and there is a moderate physicochemical difference between glycine and arginine.

NM_001008537.3(NEXMIF):c.2527G>C (p.Gly843Arg)

Gene: NEXMIF (neurite extension and migration factor; minus strand). Cytogenetic location: Xq13.3.
Variant type: single nucleotide variant.
Coding change: c.2527G>C on transcript NM_001008537.3 (MANE Select); coding-DNA position 2527, G replaced by C.
Protein change: p.Gly843Arg; replaces glycine 843 with arginine.
Molecular consequence: missense variant.
Genome position (GRCh38, 1-based): chrX:74,742,030, C>G on the plus strand (G>C on the coding strand, the complement: NEXMIF is on the minus strand). VCF-style: chrX-74742030-C-G. GRCh37 (hg19) VCF-style: chrX-73961865-C-G.
Other names: short protein forms G843R.
Identifiers: ClinVar variation 663693 (VCV000663693.8), dbSNP rs770067542, ClinGen allele CA413668020.